The following is an entry in ClinVar:

ClinVar aggregate classification (germline): Uncertain significance (1 of 4 stars; one submission).

gnomAD v4.1: 10 of 1,474,672 alleles (0.00068%); highest among the groups gnomAD compares: East Asian, 0.022%; no homozygotes.

Submission:

Labcorp Genetics (formerly Invitae), Labcorp
Classification: Uncertain significance. Last evaluated: 2024-06-01. Review status: criteria provided, single submitter. Criteria: Invitae Variant Classification Sherloc (09022015). Collection method: clinical testing. Allele origin: germline.
Comment: This sequence change replaces isoleucine, which is neutral and non-polar, with methionine, which is neutral and non-polar, at codon 555 of the CCDC88A protein (p.Ile555Met). This variant is present in population databases (rs773225412, gnomAD 0.04%). This variant has not been reported in the literature in individuals affected with CCDC88A-related conditions. Algorithms developed to predict the effect of missense changes on protein structure and function output the following: SIFT: "Not Available"; PolyPhen-2: "Benign"; Align-GVGD: "Not Available". The methionine amino acid residue is found in multiple mammalian species, which suggests that this missense change does not adversely affect protein function. In summary, the available evidence is currently insufficient to determine the role of this variant in disease. Therefore, it has been classified as a Variant of Uncertain Significance.

NM_001365480.1(CCDC88A):c.1665A>G (p.Ile555Met)

Gene: CCDC88A (coiled-coil domain containing 88A; minus strand). Cytogenetic location: 2p16.1.
Variant type: single nucleotide variant.
Coding change: c.1665A>G on transcript NM_001365480.1 (MANE Select); coding-DNA position 1665, A replaced by G.
Protein change: p.Ile555Met; replaces isoleucine 555 with methionine.
Molecular consequence: missense variant.
Genome position (GRCh38, 1-based): chr2:55,335,156, T>C on the plus strand (A>G on the coding strand, the complement: CCDC88A is on the minus strand). VCF-style: chr2-55335156-T-C. GRCh37 (hg19) VCF-style: chr2-55562292-T-C.
Other names: c.1665A>G, p.Ile555Met (NM_001135597.2, NM_001254943.2, NM_018084.5); short protein forms I555M.
Identifiers: ClinVar variation 3606669 (VCV003606669.1).